The following is an entry in ClinVar:

ClinVar aggregate classification (germline): Conflicting classifications of pathogenicity. Review status: criteria provided, conflicting classifications (1 of 4 stars). 3 submissions from 3 submitters: Uncertain significance (2); Likely benign (1). Last evaluated 2024-01-10.

Conditions:
Hereditary cancer-predisposing syndrome. Also called: Neoplastic Syndromes, Hereditary; Hereditary Cancer Syndrome; Hereditary neoplastic syndrome; Tumor predisposition. Identifiers: Orphanet 140162, MedGen C0027672, MeSH D009386, MONDO:0015356.
Hereditary breast ovarian cancer syndrome. Also called: Hereditary breast and ovarian cancer syndrome (HBOC); Hereditary breast and ovarian cancer syndrome; Breast and ovarian cancer; BRCA1- and BRCA2-Associated Hereditary Breast and Ovarian Cancer; Hereditary breast and ovarian cancer; Hereditary breast and/or ovarian cancer syndrome. Identifiers: Orphanet 145, MedGen C0677776, MeSH D061325, MONDO:0003582. Disease mechanism: loss of function.

Submissions (3):

Labcorp Genetics (formerly Invitae), Labcorp
Classification: Uncertain significance for Hereditary breast ovarian cancer syndrome. Last evaluated: 2024-01-10. Review status: criteria provided, single submitter. Criteria: Invitae Variant Classification Sherloc (09022015). Collection method: clinical testing. Allele origin: germline.
Comment: This sequence change replaces asparagine, which is neutral and polar, with serine, which is neutral and polar, at codon 1045 of the BRCA1 protein (p.Asn1045Ser). This variant is not present in population databases (gnomAD no frequency). This variant has not been reported in the literature in individuals affected with BRCA1-related conditions. ClinVar contains an entry for this variant (Variation ID: 479197). Advanced modeling of protein sequence and biophysical properties (such as structural, functional, and spatial information, amino acid conservation, physicochemical variation, residue mobility, and thermodynamic stability) performed at Invitae indicates that this missense variant is not expected to disrupt BRCA1 protein function with a negative predictive value of 95%. In summary, the available evidence is currently insufficient to determine the role of this variant in disease. Therefore, it has been classified as a Variant of Uncertain Significance.

University of Washington Department of Laboratory Medicine, University of Washington
Classification: Likely benign for Hereditary cancer-predisposing syndrome. Last evaluated: 2023-03-23. Review status: criteria provided, single submitter. Criteria: Dines et al. (Genet Med. 2020). Collection method: curation. Allele origin: germline.
Comment: Missense variant in a coldspot region where missense variants are very unlikely to be pathogenic (PMID:31911673).

BRCA1 coldspot (exon 11 using historical exon numbering). Reclassification based on statistical prior probability

Ambry Genetics
Classification: Uncertain significance for Hereditary cancer-predisposing syndrome. Last evaluated: 2018-05-23. Review status: criteria provided, single submitter. Criteria: Ambry Variant Classification Scheme 2023. Collection method: clinical testing. Allele origin: germline.
Comment: The p.N1045S variant (also known as c.3134A>G), located in coding exon 9 of the BRCA1 gene, results from an A to G substitution at nucleotide position 3134. The asparagine at codon 1045 is replaced by serine, an amino acid with highly similar properties. This amino acid position is well conserved in available vertebrate species. In addition, this alteration is predicted to be tolerated by in silico analysis. Since supporting evidence is limited at this time, the clinical significance of this alteration remains unclear.

NM_007294.4(BRCA1):c.3134A>G (p.Asn1045Ser)

Gene: BRCA1 (BRCA1 DNA repair associated; minus strand). Cytogenetic location: 17q21.31.
Variant type: single nucleotide variant.
Coding change: c.3134A>G on transcript NM_007294.4 (MANE Select); coding-DNA position 3134, A replaced by G.
Protein change: p.Asn1045Ser; replaces asparagine 1045 with serine.
Molecular consequence: missense variant. On other transcripts: intron variant (137).
Genome position (GRCh38, 1-based): chr17:43,092,397, T>C on the plus strand (A>G on the coding strand, the complement: BRCA1 is on the minus strand). VCF-style: chr17-43092397-T-C. GRCh37 (hg19) VCF-style: chr17-41244414-T-C.
Other names: c.2921A>G, p.Asn974Ser (NM_001407571.1, NM_001407853.1, NM_001407894.1 and 9 more transcripts); c.3134A>G, p.Asn1045Ser (NM_001407581.1, NM_001407582.1, NM_001407583.1 and 30 more transcripts); c.3131A>G, p.Asn1044Ser (NM_001407587.1, NM_001407590.1, NM_001407591.1 and 22 more transcripts); c.3125A>G, p.Asn1042Ser (NM_001407646.1, NM_001407647.1); c.3011A>G, p.Asn1004Ser (NM_001407648.1, NM_001407664.1, NM_001407665.1 and 19 more transcripts); c.3008A>G, p.Asn1003Ser (NM_001407649.1, NM_001407670.1, NM_001407671.1 and 11 more transcripts); c.3056A>G, p.Asn1019Ser (NM_001407653.1, NM_001407654.1, NM_001407655.1 and 4 more transcripts); c.3053A>G, p.Asn1018Ser (NM_001407659.1, NM_001407660.1, NM_001407661.1 and 1 more transcripts); and 41 more; short protein forms N1045S, N998S, N1019S, N749S, N934S, N957S, N1003S, N917S.
Identifiers: ClinVar variation 479197 (VCV000479197.18), dbSNP rs1555588330, ClinGen allele CA10595715.
Genomic context (GRCh38, chr17:43,092,397, plus strand): 5'-TCACTGGAACCTATTTCATTAATACTGGAGCCCACTTCATTAGTACTGGAACCTACTTCA[T>C]TAATATTGCTTGAGCTGGCTTCTTTAAAAACATTTTCTCTAATGTTATTACGGCTAATTG-3'
Protein context (NP_009225.1, residues 1035-1055): VFKEASSSNI[Asn1045Ser]EVGSSTNEVG